The following is an entry in ClinVar:

NM_001267550.2(TTN):c.101047G>A (p.Glu33683Lys)

Genes: TTN (titin; minus strand), TTN-AS1 (TTN antisense RNA 1; plus strand). Cytogenetic location: 2q31.2.
Variant type: single nucleotide variant.
Coding change: c.101047G>A on transcript NM_001267550.2 (MANE Select); coding-DNA position 101047, G replaced by A.
Protein change: p.Glu33683Lys; replaces glutamic acid 33683 with lysine.
Molecular consequence: missense variant.
Genome position (GRCh38, 1-based): chr2:178,535,568, C>T on the plus strand (G>A on the coding strand, the complement: TTN is on the minus strand). VCF-style: chr2-178535568-C-T. GRCh37 (hg19) VCF-style: chr2-179400295-C-T.
Other names: c.96124G>A, p.Glu32042Lys (NM_001256850.1); c.73852G>A, p.Glu24618Lys (NM_003319.4); c.93343G>A, p.Glu31115Lys (NM_133378.4); c.74227G>A, p.Glu24743Lys (NM_133432.3); c.74428G>A, p.Glu24810Lys (NM_133437.4); short protein forms E24743K, E33683K, E24618K, E32042K, E24810K, E31115K.
Identifiers: ClinVar variation 2937631 (VCV002937631.3), dbSNP rs747577276, ClinGen allele CA1985937.

ClinVar aggregate classification (germline): Uncertain significance (1 of 4 stars; one submission).

Conditions:
Dilated cardiomyopathy 1G (CMD1G). Identifiers: Orphanet 154, MedGen C1858763, MONDO:0011400, OMIM 604145.
Autosomal recessive limb-girdle muscular dystrophy type 2J (LGMDR10). Also called: Limb-girdle muscular dystrophy, type 2J; MUSCULAR DYSTROPHY, LIMB-GIRDLE, AUTOSOMAL RECESSIVE 10. Identifiers: Orphanet 140922, MedGen C1837342, MONDO:0012127, OMIM 608807.

Allele frequency attached by ClinVar (database versions not stated): gnomAD exomes 0.00001; ExAC 0.00003.
gnomAD v4.1: 7 of 1,613,868 alleles (0.00043%); highest among the groups gnomAD compares: South Asian, 0.0077%; no homozygotes.

Submission:

Labcorp Genetics (formerly Invitae), Labcorp
Classification: Uncertain significance for Dilated cardiomyopathy 1G; Autosomal recessive limb-girdle muscular dystrophy type 2J. Last evaluated: 2025-03-03. Review status: criteria provided, single submitter. Criteria: Invitae Variant Classification Sherloc (09022015). Collection method: clinical testing. Allele origin: germline.
Comment: This sequence change replaces glutamic acid, which is acidic and polar, with lysine, which is basic and polar, at codon 33683 of the TTN protein (p.Glu33683Lys). This variant is present in population databases (rs747577276, gnomAD 0.01%). This variant has not been reported in the literature in individuals affected with TTN-related conditions. ClinVar contains an entry for this variant (Variation ID: 2937631). Experimental studies and prediction algorithms are not available or were not evaluated, and the functional significance of this variant is currently unknown. This variant is located in the M band of TTN (PMID: 25589632). Non-truncating variants in this region may be relevant for neuromuscular disorders, but have not been definitively shown to cause cardiomyopathy (PMID: 23975875). In summary, the available evidence is currently insufficient to determine the role of this variant in disease. Therefore, it has been classified as a Variant of Uncertain Significance.

Literature cited by the submitters: PubMed 25589632; PubMed 23975875.